The following is an entry in ClinVar:

NM_004960.4(FUS):c.669CGG[7] (p.Gly231dup)

Gene: FUS (FUS DNA/RNA binding protein; plus strand). Cytogenetic location: 16p11.2.
Variant type: Microsatellite.
Coding change: c.669CGG[7] on transcript NM_004960.4 (MANE Select); seven copies in a row of the 3-base unit CGG starting at c.669; the reference has six copies in a row; one copy, 3 bases duplicated.
Protein change: p.Gly231dup; duplicates glycine 231.
Molecular consequence: inframe insertion. On other transcripts: non-coding transcript variant (1).
Genome position (GRCh38, 1-based): chr16:31,185,099-31,185,101, CGG duplicated; duplicating any 3 consecutive bases within chr16:31,185,082-31,185,101 gives the same sequence; the position shown is the placement nearest the transcript's 3' end. VCF-style (leftmost placement, unchanged base first): chr16-31185081-T-TGGC. GRCh37 (hg19) VCF-style: chr16-31196402-T-TGGC.
Other names: p.Gly231dup; c.684_686dupCGG (NM_004960.3); c.666CGG[7], p.Gly230dup (NM_001170634.1); c.657CGG[7], p.Gly227dup (NM_001170937.1).
Identifiers: ClinVar variation 318986 (VCV000318986.49), dbSNP rs72550890, ClinGen allele CA8023739.
Genomic context (GRCh38, chr16:31,185,081, plus strand): 5'-AGGTGGCAGCGGTGGCTATGGACAGCAGGACCGTGGAGGCCGCGGCAGGGGTGGCAGTGG[T>TGGC]GGCGGCGGCGGCGGCGGCGGTGGTGGTTACAACCGCAGCAGTGGTGGCTATGAACCCAGA-3'

ClinVar aggregate classification (germline): Benign/Likely benign. Review status: criteria provided, multiple submitters, no conflicts (2 of 4 stars). 9 submissions from 9 submitters: Benign (3); Likely benign (2). 4 of the submissions do not count toward it. Last evaluated 2026-01-06.

Conditions:
FUS-related disorder. Also called: FUS-related condition.
Amyotrophic lateral sclerosis type 6. Also called: Amyotrophic lateral sclerosis 6, with or without frontotemporal dementia; AMYOTROPHIC LATERAL SCLEROSIS 6 WITHOUT FRONTOTEMPORAL DEMENTIA; FUS-Related Amyotrophic Laterial Sclerosis. Identifiers: Orphanet 275872, Orphanet 803, MedGen C2931786, MONDO:0011951, OMIM 608030.
Tremor, hereditary essential, 4 (ETM4). Identifiers: MedGen C3539195, MONDO:0013888, OMIM 614782.

Submissions (9):

Labcorp Genetics (formerly Invitae), Labcorp
Classification: Benign for Tremor, hereditary essential, 4; Amyotrophic lateral sclerosis type 6. Last evaluated: 2026-01-06. Review status: criteria provided, single submitter. Criteria: Invitae Variant Classification Sherloc (09022015). Collection method: clinical testing. Allele origin: germline.

CeGaT Center for Human Genetics Tuebingen
Classification: Likely benign. Last evaluated: 2026-01-01. Review status: criteria provided, single submitter. Criteria: CeGaT Center For Human Genetics Tuebingen Variant Classification Criteria Version 2. Collection method: clinical testing. Allele origin: germline. Affected: yes. Observed: 4 variant alleles.
Comment: FUS: BS1

Blueprint Genetics
Classification: Likely benign. Last evaluated: 2024-11-23. Review status: criteria provided, single submitter. Criteria: ACMG Guidelines, 2015. Collection method: clinical testing. Allele origin: germline.

Mayo Clinic Laboratories, Mayo Clinic
Classification: Benign. Last evaluated: 2024-02-26. Review status: criteria provided, single submitter. Criteria: ACMG Guidelines, 2015. Collection method: clinical testing. Allele origin: germline. Observed: 4 variant alleles.
Comment: BS1, BS2

Athena Diagnostics
Classification: Benign. Last evaluated: 2017-02-10. Review status: criteria provided, single submitter. Criteria: Athena Diagnostics Criteria. Collection method: clinical testing. Allele origin: germline.

PreventionGenetics, part of Exact Sciences
Classification: Benign for FUS-related condition. Last evaluated: 2022-05-26. Review status: no assertion criteria provided. Collection method: clinical testing. Allele origin: germline. Not counted in ClinVar's aggregate classification.
Comment: This variant is classified as benign based on ACMG/AMP sequence variant interpretation guidelines (Richards et al. 2015 PMID: 25741868, with internal and published modifications).

Clinical Genetics DNA and cytogenetics Diagnostics Lab, Erasmus MC, Erasmus Medical Center
Classification: Benign. Review status: no assertion criteria provided. Collection method: clinical testing. Allele origin: germline. Affected: yes. Study: VKGL Data-share Consensus. Not counted in ClinVar's aggregate classification.

Diagnostic Laboratory, Department of Genetics, University Medical Center Groningen
Classification: Likely benign. Review status: no assertion criteria provided. Collection method: clinical testing. Allele origin: germline. Affected: yes. Study: VKGL Data-share Consensus. Not counted in ClinVar's aggregate classification.

Genome Diagnostics Laboratory, Amsterdam University Medical Center
Classification: Likely benign. Review status: no assertion criteria provided. Collection method: clinical testing. Allele origin: germline. Affected: yes. Study: VKGL Data-share Consensus. Not counted in ClinVar's aggregate classification.

Literature cited by the submitters: PubMed 19741216 (cited by Athena Diagnostics); PubMed 19861302 (cited by Athena Diagnostics).